The following is an entry in ClinVar:

ClinVar aggregate classification (germline): Uncertain significance (1 of 4 stars; one submission).

Conditions:
Immunodeficiency 39 (IMD39). Identifiers: Orphanet 574918, MedGen C4225358, MONDO:0014597, OMIM 616345.

Submission:

Labcorp Genetics (formerly Invitae), Labcorp
Classification: Uncertain significance for Immunodeficiency 39. Last evaluated: 2025-11-19. Review status: criteria provided, single submitter. Criteria: Invitae Variant Classification Sherloc (09022015). Collection method: clinical testing. Allele origin: germline.
Comment: This sequence change falls in intron 6 of the IRF7 gene. It does not directly change the encoded amino acid sequence of the IRF7 protein. This variant is present in population databases (no rsID available, gnomAD 0.008%). This variant has not been reported in the literature in individuals affected with IRF7-related conditions. In summary, the available evidence is currently insufficient to determine the role of this variant in disease. Therefore, it has been classified as a Variant of Uncertain Significance.

NM_001572.5(IRF7):c.848-75CTGTCCCCGCCCACCCCCGTCACTCACAGC[3]

Gene: IRF7 (interferon regulatory factor 7; minus strand). Cytogenetic location: 11p15.5.
Variant type: Microsatellite.
Coding change: c.848-75CTGTCCCCGCCCACCCCCGTCACTCACAGC[3] on transcript NM_001572.5 (MANE Select); three copies in a row of the 30-base unit CTGTCCCCGCCCACCCCCGTCACTCACAGC starting at c.848-75; the reference has two copies in a row; one copy, 30 bases duplicated.
Molecular consequence: intron variant.
Genome position (GRCh38, 1-based): chr11:613,611-613,640, GCTGTGAGTGACGGGGGTGGGCGGGGACAG duplicated on the plus strand (CTGTCCCCGCCCACCCCCGTCACTCACAGC on the coding strand, the reverse complement: IRF7 is on the minus strand); duplicating any 30 consecutive bases within chr11:613,611-613,671 gives the same sequence; the position shown is the placement nearest the transcript's 3' end. VCF-style (leftmost placement, unchanged base first): chr11-613610-A-AGCTGTGAGTGACGGGGGTGGGCGGGGACAG. GRCh37 (hg19) VCF-style: chr11-613610-A-AGCTGTGAGTGACGGGGGTGGGCGGGGACAG.
Other names: c.761-75CTGTCCCCGCCCACCCCCGTCACTCACAGC[3] (NM_004029.4); c.887-75CTGTCCCCGCCCACCCCCGTCACTCACAGC[3] (NM_004031.4).
Identifiers: ClinVar variation 1425832 (VCV001425832.8), dbSNP rs777061273, ClinGen allele CA597020121.
Genomic context (GRCh38, chr11:613,610, plus strand): 5'-CGGCCCTTGTACATGATGGTCACGTCCAGCGCCCCTGGGCTGGGCTCTGTGTGGAGACCA[A>AGCTGTGAGTGACGGGGGTGGGCGGGGACAG]GCTGTGAGTGACGGGGGTGGGCGGGGACAGGCTGTGAGTGACGGGGGTGGGCGGGGACAG-3'